The following is an entry in ClinVar:

NM_006379.5(SEMA3C):c.764C>T (p.Thr255Met)

Gene: SEMA3C (semaphorin 3C; minus strand). Cytogenetic location: 7q21.11.
Variant type: single nucleotide variant.
Coding change: c.764C>T on transcript NM_006379.5 (MANE Select); coding-DNA position 764, C replaced by T.
Protein change: p.Thr255Met; replaces threonine 255 with methionine.
Molecular consequence: missense variant.
Genome position (GRCh38, 1-based): chr7:80,804,143, G>A on the plus strand (C>T on the coding strand, the complement: SEMA3C is on the minus strand). VCF-style: chr7-80804143-G-A. GRCh37 (hg19) VCF-style: chr7-80433459-G-A.
Other names: c.818C>T, p.Thr273Met (NM_001350120.2); c.590C>T, p.Thr197Met (NM_001350121.2); short protein forms T197M, T255M, T273M.
Identifiers: ClinVar variation 2636674 (VCV002636674.1), dbSNP rs373225376, ClinGen allele CA4316339.

ClinVar aggregate classification (germline): Uncertain significance (1 of 4 stars; one submission).

Conditions:
SEMA3C-related disorder. Also called: SEMA3C-related condition.

Allele frequency attached by ClinVar (database versions not stated): TOPMed 0.00004; ExAC 0.00005; gnomAD 0.00006; ESP Exome Variant Server 0.00008.
gnomAD v4.1: 60 of 1,612,426 alleles (0.0037%); highest among the groups gnomAD compares: South Asian, 0.021%; no homozygotes.

Submission:

PreventionGenetics, part of Exact Sciences
Classification: Uncertain significance for SEMA3C-related condition. Last evaluated: 2023-05-17. Review status: criteria provided, single submitter. Criteria: ACMG Guidelines, 2015. Collection method: clinical testing. Allele origin: germline.
Comment: The SEMA3C c.818C>T variant is predicted to result in the amino acid substitution p.Thr273Met. To our knowledge, this variant has not been reported in the literature. This variant is reported in 0.020% of alleles in individuals of African descent in gnomAD. At this time, the clinical significance of this variant is uncertain due to the absence of conclusive functional and genetic evidence.